The following is an entry in ClinVar:

ClinVar aggregate classification (germline): Uncertain significance (1 of 4 stars; one submission).

Conditions:
Cardiovascular phenotype. Identifiers: MedGen CN230736.

Submission:

Ambry Genetics
Classification: Uncertain significance for Cardiovascular phenotype. Last evaluated: 2026-07-01. Review status: criteria provided, single submitter. Criteria: Ambry Variant Classification Scheme 2023. Collection method: clinical testing. Allele origin: germline.
Comment: The p.A2790E variant (also known as c.8369C>A), located in coding exon 26 of the APOB gene, results from a C to A substitution at nucleotide position 8369. The alanine at codon 2790 is replaced by glutamic acid, an amino acid with dissimilar properties. This amino acid position is conserved. In addition, this alteration is predicted to be tolerated by in silico analysis. Based on the available evidence, the clinical significance of this variant remains unclear.

NM_000384.3(APOB):c.8369C>A (p.Ala2790Glu)

Gene: APOB (apolipoprotein B; minus strand). Cytogenetic location: 2p24.1.
Variant type: single nucleotide variant.
Coding change: c.8369C>A on transcript NM_000384.3 (MANE Select); coding-DNA position 8369, C replaced by A.
Protein change: p.Ala2790Glu; replaces alanine 2790 with glutamic acid.
Molecular consequence: missense variant.
Genome position (GRCh38, 1-based): chr2:21,008,499, G>T on the plus strand (C>A on the coding strand, the complement: APOB is on the minus strand). VCF-style: chr2-21008499-G-T. GRCh37 (hg19) VCF-style: chr2-21231371-G-T.
Other names: short protein forms A2790E.
Identifiers: ClinVar variation 5026979 (VCV005026979.1).
Genomic context (GRCh38, chr2:21,008,499, plus strand): 5'-GCTTGAAAATCAAAATTGAGAACTTCTAATTTGGACTCTCCTTTGGCAGTGATGGAAGCT[G>T]CGATACCTGCTTCGTTTGCTGAGGTGGTTCCATTCCCTATGTCAGCATTTGCATCTAATG-3'
Protein context (NP_000375.3, residues 2780-2800): GTTSANEAGI[Ala2790Glu]ASITAKGESK